The following is an entry in ClinVar:

NM_001199799.2(ILDR1):c.25C>T (p.Pro9Ser)

Gene: ILDR1 (immunoglobulin like domain containing receptor 1; minus strand). Cytogenetic location: 3q13.33.
Variant type: single nucleotide variant.
Coding change: c.25C>T on transcript NM_001199799.2 (MANE Select); coding-DNA position 25, C replaced by T.
Protein change: p.Pro9Ser; replaces proline 9 with serine.
Molecular consequence: missense variant.
Genome position (GRCh38, 1-based): chr3:122,022,053, G>A on the plus strand (C>T on the coding strand, the complement: ILDR1 is on the minus strand). VCF-style: chr3-122022053-G-A. GRCh37 (hg19) VCF-style: chr3-121740900-G-A.
Other names: c.25C>T, p.Pro9Ser (NM_001199800.2, NM_175924.4); short protein forms P9S.
Identifiers: ClinVar variation 517153 (VCV000517153.4), dbSNP rs1217446345, ClinGen allele CA354136020.
Genomic context (GRCh38, chr3:122,022,053, plus strand): 5'-GGTGGGTACCATTTTTCCAAGGCTCACCTGCTGGGAGCCAGGTGCAGAGCAGCAGCCAAG[G>A]TGCGGGCAGTTTGGGCCATGCCATGCCGCCCCCTTTCTGGCCCTTTTCAGCTCAGGGGCT-3'
Protein context (NP_001186728.1, residues 1-19): MAWPKLPA[Pro9Ser]WLLLCTWLPA

ClinVar aggregate classification (germline): Likely benign (1 of 4 stars; one submission).

Allele frequency attached by ClinVar (database versions not stated): gnomAD exomes below 0.00001 and 0.00001.
gnomAD v4.1: 4 of 1,611,388 alleles (0.00025%); highest among the groups gnomAD compares: Non-Finnish European, 0.00034%; no homozygotes.

Submission:

Laboratory for Molecular Medicine, Mass General Brigham Personalized Medicine
Classification: Likely benign. Last evaluated: 2016-11-23. Review status: criteria provided, single submitter. Criteria: LMM Criteria. Collection method: clinical testing. Allele origin: germline. Observed: 1 variant allele.
Comment: p.Pro9Ser in exon 1 of ILDR1: This variant is not expected to have clinical sign ificance due to a lack of conservation across species, including mammals. Of not e, 3 mammals (squirrel, jerboa, and Weddell seal) have a serine (Ser) at this po sition despite high nearby amino acid conservation. In addition, computational p rediction tools do not suggest a high likelihood of impact to the protein. It ha s also been identified in 2/106558 European chromosomes by the genome Aggregatio n Database (gnomAD).